The following is an entry in ClinVar:

ClinVar aggregate classification (germline): Uncertain significance (1 of 4 stars; one submission).

Conditions:
Charcot-Marie-Tooth disease axonal type 2O. Also called: CHARCOT-MARIE-TOOTH NEUROPATHY, AXONAL, TYPE 2O; CHARCOT-MARIE-TOOTH DISEASE, AXONAL, AUTOSOMAL DOMINANT, TYPE 2O; Charcot-Marie-Tooth disease, axonal, type 20; Charcot-Marie-Tooth Neuropathy Type 2O. Identifiers: Orphanet 284232, MedGen C3280220, MONDO:0013644, OMIM 614228.

Allele frequency attached by ClinVar (database versions not stated): gnomAD 0.00003.
gnomAD v4.1: 2 of 1,613,824 alleles (0.00012%); highest among the groups gnomAD compares: African/African-American, 0.0013%; no homozygotes.

Submission:

Labcorp Genetics (formerly Invitae), Labcorp
Classification: Uncertain significance for Charcot-Marie-Tooth disease axonal type 2O. Last evaluated: 2024-05-15. Review status: criteria provided, single submitter. Criteria: Invitae Variant Classification Sherloc (09022015). Collection method: clinical testing. Allele origin: germline.
Comment: This sequence change replaces histidine, which is basic and polar, with glutamine, which is neutral and polar, at codon 676 of the DYNC1H1 protein (p.His676Gln). This variant is present in population databases (no rsID available, gnomAD 0.01%). This variant has not been reported in the literature in individuals affected with DYNC1H1-related conditions. ClinVar contains an entry for this variant (Variation ID: 574742). Advanced modeling of protein sequence and biophysical properties (such as structural, functional, and spatial information, amino acid conservation, physicochemical variation, residue mobility, and thermodynamic stability) has been performed at Invitae for this missense variant, however the output from this modeling did not meet the statistical confidence thresholds required to predict the impact of this variant on DYNC1H1 protein function. In summary, the available evidence is currently insufficient to determine the role of this variant in disease. Therefore, it has been classified as a Variant of Uncertain Significance.

NM_001376.5(DYNC1H1):c.2028C>G (p.His676Gln)

Gene: DYNC1H1 (dynein cytoplasmic 1 heavy chain 1; plus strand). Cytogenetic location: 14q32.31.
Variant type: single nucleotide variant.
Coding change: c.2028C>G on transcript NM_001376.5 (MANE Select); coding-DNA position 2028, C replaced by G.
Protein change: p.His676Gln; replaces histidine 676 with glutamine.
Molecular consequence: missense variant.
Genome position (GRCh38, 1-based): chr14:101,986,253, C>G. VCF-style: chr14-101986253-C-G. GRCh37 (hg19) VCF-style: chr14-102452590-C-G.
Other names: short protein forms H676Q.
Identifiers: ClinVar variation 574742 (VCV000574742.8), dbSNP rs758895614, ClinGen allele CA391020349.